The following is an entry in ClinVar:

ClinVar aggregate classification (germline): Conflicting classifications of pathogenicity. Review status: criteria provided, conflicting classifications (1 of 4 stars). 2 submissions from 2 submitters: Uncertain significance (1); Benign (1). Last evaluated 2024-06-24.

Conditions:
Adams-Oliver syndrome 5 (AOS5). Identifiers: Orphanet 974, MedGen C4014970, MONDO:0014459, OMIM 616028.
Familial thoracic aortic aneurysm and aortic dissection (TAAD). Also called: Thoracic aortic aneurysms and dissections. Identifiers: Orphanet 91387, MedGen C4707243, MONDO:0019625.

gnomAD v4.1: 84 of 1,612,612 alleles (0.0052%); highest among the groups gnomAD compares: South Asian, 0.085%; 1 homozygote.

Submissions (2):

Labcorp Genetics (formerly Invitae), Labcorp
Classification: Benign for Adams-Oliver syndrome 5. Last evaluated: 2024-06-24. Review status: criteria provided, single submitter. Criteria: Invitae Variant Classification Sherloc (09022015). Collection method: clinical testing. Allele origin: germline.

Ambry Genetics
Classification: Uncertain significance for Familial thoracic aortic aneurysm and aortic dissection. Last evaluated: 2024-02-26. Review status: criteria provided, single submitter. Criteria: Ambry Variant Classification Scheme 2023. Collection method: clinical testing. Allele origin: germline.
Comment: The p.N787H variant (also known as c.2359A>C), located in coding exon 15 of the NOTCH1 gene, results from an A to C substitution at nucleotide position 2359. The asparagine at codon 787 is replaced by histidine, an amino acid with similar properties. This amino acid position is conserved. In addition, the in silico prediction for this alteration is inconclusive. Based on the available evidence, the clinical significance of this alteration remains unclear.

NM_017617.5(NOTCH1):c.2359A>C (p.Asn787His)

Gene: NOTCH1 (notch receptor 1; minus strand). Cytogenetic location: 9q34.3.
Variant type: single nucleotide variant.
Coding change: c.2359A>C on transcript NM_017617.5 (MANE Select); coding-DNA position 2359, A replaced by C.
Protein change: p.Asn787His; replaces asparagine 787 with histidine.
Molecular consequence: missense variant.
Genome position (GRCh38, 1-based): chr9:136,513,129, T>G on the plus strand (A>C on the coding strand, the complement: NOTCH1 is on the minus strand). VCF-style: chr9-136513129-T-G. GRCh37 (hg19) VCF-style: chr9-139407581-T-G.
Other names: c.2359A>C (NM_017617.3); short protein forms N787H.
Identifiers: ClinVar variation 2144361 (VCV002144361.5), dbSNP rs199672693, ClinGen allele CA5341373.
Genomic context (GRCh38, chr9:136,513,129, plus strand): 5'-TACACGTGCCCTGGTTCAGACATGGGTTGGACGCACACTCGTTGATGTTGGTCTGGCAGT[T>G]GGGACCTGGAGGGAAGGGGACAGCACTCGGCATGTCCAGCACTCCCAGGCACCTTGGCAG-3'
Protein context (NP_060087.3, residues 777-797): CTCREGFSGP[Asn787His]CQTNINECAS